The following is an entry in ClinVar:

ClinVar aggregate classification (germline): Likely pathogenic (1 of 4 stars; one submission).

Conditions:
Hereditary factor VIII deficiency disease (HEMA). Also called: HEMOPHILIA, CLASSIC; AUTOSOMAL HEMOPHILIA A; Hemophilia A; Hemophilia A, congenital; HEM A; Factor 8 deficiency, congenital. Identifiers: Orphanet 98878, MedGen C0019069, MONDO:0010602, OMIM 306700.

Submission:

Women's Health and Genetics/Laboratory Corporation of America, LabCorp
Classification: Likely pathogenic for Hereditary factor VIII deficiency disease. Last evaluated: 2026-01-27. Review status: criteria provided, single submitter. Criteria: LabCorp Variant Classification Summary - May 2015. Collection method: clinical testing. Allele origin: germline.
Comment: Variant summary: F8 c.1736A>G (p.Asp579Gly) results in a non-conservative amino acid change in the encoded protein sequence. Algorithms developed to predict the effect of missense changes on protein structure and function all suggest that this variant is likely to be disruptive. The frequency data for this variant in gnomAD is considered unreliable, as metrics indicate poor data quality at this position. c.1736A>G has been observed in individuals affected with Factor VIII Deficiency (Hemophilia A) (Debeljak_2012, Bai_2017, Johnsen_2022). These data indicate that the variant is likely to be associated with disease. At least one publication reports experimental evidence evaluating an impact on protein function in patient samples. The most pronounced variant effect results in 10%-<30% of normal coagulation activity (example, Bai_2017). The following publications have been ascertained in the context of this evaluation (PMID: 28252515, 35770352, 22958177, 29296726). No submitters have cited clinical-significance assessments for this variant to ClinVar. Based on the evidence outlined above, the variant was classified as likely pathogenic.

Literature cited by the submitters: PubMed 35770352; PubMed 29296726; PubMed 22958177; PubMed 28252515.

NM_000132.4(F8):c.1736A>G (p.Asp579Gly)

Gene: F8 (coagulation factor VIII; minus strand). Cytogenetic location: Xq28.
Variant type: single nucleotide variant.
Coding change: c.1736A>G on transcript NM_000132.4 (MANE Select); coding-DNA position 1736, A replaced by G.
Protein change: p.Asp579Gly; replaces aspartic acid 579 with glycine.
Molecular consequence: missense variant.
Genome position (GRCh38, 1-based): chrX:154,956,973, T>C on the plus strand (A>G on the coding strand, the complement: F8 is on the minus strand). VCF-style: chrX-154956973-T-C. GRCh37 (hg19) VCF-style: chrX-154185248-T-C.
Other names: short protein forms D579G.
Identifiers: ClinVar variation 4689588 (VCV004689588.1).